The following is an entry in ClinVar:

ClinVar aggregate classification (germline): Uncertain significance (1 of 4 stars; one submission).

gnomAD v4.1: 5 of 1,613,600 alleles (0.00031%); highest among the groups gnomAD compares: Non-Finnish European, 0.00042%; no homozygotes.

Submission:

Labcorp Genetics (formerly Invitae), Labcorp
Classification: Uncertain significance. Last evaluated: 2022-08-08. Review status: criteria provided, single submitter. Criteria: Invitae Variant Classification Sherloc (09022015). Collection method: clinical testing. Allele origin: germline.
Comment: In summary, the available evidence is currently insufficient to determine the role of this variant in disease. Therefore, it has been classified as a Variant of Uncertain Significance. Algorithms developed to predict the effect of missense changes on protein structure and function are either unavailable or do not agree on the potential impact of this missense change (SIFT: "Not Available"; PolyPhen-2: "Benign"; Align-GVGD: "Not Available"). This variant has not been reported in the literature in individuals affected with ADAMTS18-related conditions. This variant is present in population databases (no rsID available, gnomAD 0.0009%). This sequence change replaces arginine, which is basic and polar, with serine, which is neutral and polar, at codon 552 of the ADAMTS18 protein (p.Arg552Ser).

NM_199355.4(ADAMTS18):c.1656G>T (p.Arg552Ser)

Gene: ADAMTS18 (ADAM metallopeptidase with thrombospondin type 1 motif 18; minus strand). Cytogenetic location: 16q23.1.
Variant type: single nucleotide variant.
Coding change: c.1656G>T on transcript NM_199355.4 (MANE Select); coding-DNA position 1656, G replaced by T.
Protein change: p.Arg552Ser; replaces arginine 552 with serine.
Molecular consequence: missense variant.
Genome position (GRCh38, 1-based): chr16:77,341,758, C>A on the plus strand (G>T on the coding strand, the complement: ADAMTS18 is on the minus strand). VCF-style: chr16-77341758-C-A. GRCh37 (hg19) VCF-style: chr16-77375655-C-A.
Other names: c.1140G>T, p.Arg380Ser (NM_001326358.2); short protein forms R552S, R380S.
Identifiers: ClinVar variation 1967070 (VCV001967070.4), dbSNP rs373068752, ClinGen allele CA396833179.